The following is an entry in ClinVar:

NM_001042492.3(NF1):c.6148-6T>G

Gene: NF1 (neurofibromin 1; plus strand). Cytogenetic location: 17q11.2.
Variant type: single nucleotide variant.
Coding change: c.6148-6T>G on transcript NM_001042492.3 (MANE Select); 6 bases into the intron before coding-DNA position 6148, T replaced by G.
Molecular consequence: intron variant.
Genome position (GRCh38, 1-based): chr17:31,336,629, T>G. VCF-style: chr17-31336629-T-G. GRCh37 (hg19) VCF-style: chr17-29663647-T-G.
Other names: c.6085-6T>G (NM_000267.3, NM_000267.4).
Identifiers: ClinVar variation 3337391 (VCV003337391.3).

ClinVar aggregate classification (germline): Conflicting classifications of pathogenicity. Review status: criteria provided, conflicting classifications (1 of 4 stars). 3 submissions from 3 submitters: Likely pathogenic (2); Uncertain significance (1). Last evaluated 2026-08-27.

Conditions:
Hereditary cancer-predisposing syndrome. Also called: Tumor predisposition; Hereditary Cancer Syndrome; Hereditary neoplastic syndrome; Neoplastic Syndromes, Hereditary. Identifiers: Orphanet 140162, MedGen C0027672, MeSH D009386, MONDO:0015356.
Cardiovascular phenotype. Identifiers: MedGen CN230736.

gnomAD v4.1: 1 of 1,606,704 alleles (0.000062%); highest among the groups gnomAD compares: Non-Finnish European, 0.000085%; no homozygotes.

Submissions (3):

Ambry Genetics
Classification: Likely pathogenic for Cardiovascular phenotype; Hereditary cancer-predisposing syndrome. Last evaluated: 2026-08-27. Review status: criteria provided, single submitter. Criteria: Ambry Variant Classification Scheme 2023. Collection method: clinical testing. Allele origin: germline.
Comment: The c.6085-6T>G intronic variant results from a T to G substitution 6 nucleotides upstream from coding exon 41 in the NF1 gene. In silico splice site analysis predicts that this alteration may weaken the native splice acceptor site. RNA studies have demonstrated that this variant results in abnormal splicing in the set of samples tested (Ambry internal data). This variant is considered to be rare based on population cohorts in the Genome Aggregation Database (gnomAD). Based on the majority of available evidence to date, this variant is likely to be pathogenic.

Clinical Genetics Laboratory, Skane University Hospital Lund
Classification: Likely pathogenic. Last evaluated: 2022-09-26. Review status: criteria provided, single submitter. Criteria: ACMG Guidelines, 2015. Collection method: clinical testing. Allele origin: germline. Affected: yes.

Blueprint Genetics
Classification: Uncertain significance. Last evaluated: 2021-02-22. Review status: criteria provided, single submitter. Criteria: ACMG Guidelines, 2015. Collection method: clinical testing. Allele origin: germline.